The following is an entry in ClinVar:

NM_033380.3(COL4A5):c.547-3C>A

Gene: COL4A5 (collagen type IV alpha 5 chain; plus strand). Cytogenetic location: Xq22.3.
Variant type: single nucleotide variant.
Coding change: c.547-3C>A on transcript NM_033380.3 (MANE Select); 3 bases into the intron before coding-DNA position 547, C replaced by A.
Molecular consequence: intron variant.
Genome position (GRCh38, 1-based): chrX:108,575,907, C>A. VCF-style: chrX-108575907-C-A. GRCh37 (hg19) VCF-style: chrX-107819137-C-A.
Other names: c.547-3C>A (NM_000495.5).
Identifiers: ClinVar variation 3724363 (VCV003724363.2), dbSNP rs1569489799.

ClinVar aggregate classification (germline): Pathogenic (1 of 4 stars; one submission).

Submission:

Labcorp Genetics (formerly Invitae), Labcorp
Classification: Pathogenic. Last evaluated: 2024-07-19. Review status: criteria provided, single submitter. Criteria: Invitae Variant Classification Sherloc (09022015). Collection method: clinical testing. Allele origin: germline.
Comment: This sequence change falls in intron 9 of the COL4A5 gene. It does not directly change the encoded amino acid sequence of the COL4A5 protein. RNA analysis indicates that this variant induces altered splicing and likely results in a shortened protein product. This variant is not present in population databases (gnomAD no frequency). This variant has been observed in individual(s) with Alport syndrome (PMID: 26866448). Variants that disrupt the consensus splice site are a relatively common cause of aberrant splicing (PMID: 17576681, 9536098). Studies have shown that this variant results in skipping of exon 10, but is expected to preserve the integrity of the reading-frame (PMID: 26866448). This variant disrupts the triple helix domain of COL4A5. Glycine residues within the Gly-Xaa-Yaa repeats of the triple helix domain are required for the structure and stability of fibrillar collagens (PMID: 7695699, 8218237, 19344236). In COL4A5, missense variants at these glycine residues are significantly enriched in individuals with disease (PMID: 23720012, 27627812) compared to the general population (ExAC). For these reasons, this variant has been classified as Pathogenic.

Literature cited by the submitters: PubMed 26866448; PubMed 17576681; PubMed 9536098; PubMed 7695699; PubMed 8218237; PubMed 19344236; PubMed 23720012; PubMed 27627812.